The following is an entry in ClinVar:

NM_000540.3(RYR1):c.5203G>A (p.Val1735Met)

Gene: RYR1 (ryanodine receptor 1; plus strand). Cytogenetic location: 19q13.2.
Variant type: single nucleotide variant.
Coding change: c.5203G>A on transcript NM_000540.3 (MANE Select); coding-DNA position 5203, G replaced by A.
Protein change: p.Val1735Met; replaces valine 1735 with methionine.
Molecular consequence: missense variant.
Genome position (GRCh38, 1-based): chr19:38,485,858, G>A. VCF-style: chr19-38485858-G-A. GRCh37 (hg19) VCF-style: chr19-38976498-G-A.
Other names: c.5203G>A, p.Val1735Met (NM_001042723.2); short protein forms V1735M.
Identifiers: ClinVar variation 3071176 (VCV003071176.1), dbSNP rs1969260460, ClinGen allele CA405654157.

ClinVar aggregate classification (germline): Uncertain significance (1 of 4 stars; one submission).

Conditions:
Malignant hyperthermia, susceptibility to, 1 (MHS1). Also called: Anesthesia related hyperthermia; Malignant hyperpyrexia; Fulminating hyperpyrexia; Pharmacogenic myopathy; RYR1-Related Malignant Hyperthermia Susceptibility; Malignant hyperthermia suceptibility 1. Identifiers: Orphanet 423, MedGen C2930980, MONDO:0007783, OMIM 145600.

gnomAD v4.1: 4 of 1,613,672 alleles (0.00025%); highest among the groups gnomAD compares: Admixed American, 0.0017%; no homozygotes.

Submission:

All of Us Research Program, National Institutes of Health
Classification: Uncertain significance for Malignant hyperthermia, susceptibility to, 1. Last evaluated: 2023-05-31. Review status: criteria provided, single submitter. Criteria: ACMG Guidelines, 2015. Collection method: clinical testing. Allele origin: germline. Inheritance: Autosomal dominant inheritance. Observed: 1 variant allele, 1 heterozygote.
Comment: This study involves interpretation of variants in research participants for the purpose of population health screening. Participant phenotype was not available at the time of variant classification. Additional details can be found in publication PMID: 35346344, PMCID: PMC8962531